The following is an entry in ClinVar:

NM_005609.4(PYGM):c.1282_1294del (p.Arg428fs)

Gene: PYGM (glycogen phosphorylase, muscle associated; minus strand). Cytogenetic location: 11q13.1.
Variant type: Deletion.
Coding change: c.1282_1294del on transcript NM_005609.4 (MANE Select); coding-DNA positions 1282 to 1294, 13 bases deleted (CGCATGTCGCTGG).
Protein change: p.Arg428fs; shifts the reading frame from arginine 428.
Molecular consequence: frameshift variant.
Genome position (GRCh38, 1-based): chr11:64,753,628-64,753,640, CCAGCGACATGCG deleted on the plus strand (CGCATGTCGCTGG on the coding strand, the reverse complement: PYGM is on the minus strand); deleting any 13 consecutive bases within chr11:64,753,628-64,753,642 gives the same sequence; the c. name uses the placement nearest the transcript's 3' end. VCF-style (leftmost placement, unchanged base first): chr11-64753627-ACCAGCGACATGCG-A. GRCh37 (hg19) VCF-style: chr11-64521099-ACCAGCGACATGCG-A.
Other names: c.1018_1030del, p.Arg340fs (NM_001164716.1); short protein forms R340fs, R428fs.
Identifiers: ClinVar variation 5012430 (VCV005012430.1).
Genomic context (GRCh38, chr11:64,753,627, plus strand): 5'-GCGTGCGACCCCGCGATGCACAGGTGTGCCATGTTGATGCGCTTCACTGCGCCCTCCTCC[ACCAGCGACATGCG>A]CCGCAGCCGGTCTACGTCCCCTGGGAATGCGGCCGCCACCCGCTGTGCCCAGAGAGCCCA-3'

ClinVar aggregate classification (germline): Pathogenic (1 of 4 stars; one submission).

Conditions:
Glycogen storage disease, type V (GSD5). Also called: MCARDLE DISEASE; MUSCLE GLYCOGEN PHOSPHORYLASE DEFICIENCY; MYOPHOSPHORYLASE DEFICIENCY; PYGM DEFICIENCY; McArdle type glycogen storage disease. Identifiers: Orphanet 368, MedGen C0017924, MONDO:0009293, OMIM 232600.

Submission:

Myriad Genetics, Inc.
Classification: Pathogenic for Glycogen storage disease, type V. Last evaluated: 2023-10-25. Review status: criteria provided, single submitter. Criteria: Myriad Autosomal Dominant, Autosomal Recessive and X-Linked Classification Criteria (2023). Collection method: clinical testing. Allele origin: unknown.
Comment: NM_005609.2(PYGM):c.1282_1294del13(R428Wfs*6) is expected to be pathogenic in the context of glycogen storage disease, PYGM-related. This variant is predicted to lead to an abnormal or absent protein product due to the creation of a premature termination codon in PYGM, a gene where loss-of-function variants are known to be pathogenic. Please note: this variant was assessed in the context of healthy population screening.